The following is an entry in ClinVar:

ClinVar aggregate classification (germline): Uncertain significance (1 of 4 stars; one submission).

Allele frequency attached by ClinVar (database versions not stated): gnomAD exomes 0.00001.
gnomAD v4.1: 19 of 1,614,036 alleles (0.0012%); highest among the groups gnomAD compares: Non-Finnish European, 0.0016%; no homozygotes.

Submission:

GeneDx
Classification: Uncertain significance. Last evaluated: 2022-12-22. Review status: criteria provided, single submitter. Criteria: GeneDx Variant Classification Process June 2021. Collection method: clinical testing. Allele origin: germline. Affected: yes.
Comment: Not observed at significant frequency in large population cohorts (gnomAD); In silico analysis supports that this missense variant has a deleterious effect on protein structure/function; Has not been previously published as pathogenic or benign to our knowledge

NM_144988.4(ALG14):c.222T>A (p.Asp74Glu)

Genes: ALG14 (ALG14 UDP-N-acetylglucosaminyltransferase subunit; minus strand), ALG14-AS1 (ALG14 antisense RNA 1; plus strand). Cytogenetic location: 1p21.3.
Variant type: single nucleotide variant.
Coding change: c.222T>A on transcript NM_144988.4 (MANE Select); coding-DNA position 222, T replaced by A.
Protein change: p.Asp74Glu; replaces aspartic acid 74 with glutamic acid.
Molecular consequence: missense variant.
Genome position (GRCh38, 1-based): chr1:95,064,932, A>T on the plus strand (T>A on the coding strand, the complement: ALG14 is on the minus strand). VCF-style: chr1-95064932-A-T. GRCh37 (hg19) VCF-style: chr1-95530488-A-T.
Other names: c.222T>A, p.Asp74Glu (NM_001305242.2); short protein forms D74E.
Identifiers: ClinVar variation 2506613 (VCV002506613.1), dbSNP rs2525847547, ClinGen allele CA341366717.
Genomic context (GRCh38, chr1:95,064,932, plus strand): 5'-ACTAGGGTCTCTATCAGCTCGATCTAGTTCAAAAGAATTTATTTTATTGGCACTCATTTC[A>T]TCAGTGTCAGCAATGACATAATGTCTAGGTGAGTAGGCATTGGACAAGCTCCCAAGCAGC-3'
Protein context (NP_659425.1, residues 64-84): SPRHYVIADT[Asp74Glu]EMSANKINSF